The following is an entry in ClinVar:

NM_004655.4(AXIN2):c.100C>G (p.Pro34Ala)

Gene: AXIN2 (axin 2; minus strand). Cytogenetic location: 17q24.1.
Variant type: single nucleotide variant.
Coding change: c.100C>G on transcript NM_004655.4 (MANE Select); coding-DNA position 100, C replaced by G.
Protein change: p.Pro34Ala; replaces proline 34 with alanine.
Molecular consequence: missense variant.
Genome position (GRCh38, 1-based): chr17:65,558,521, G>C on the plus strand (C>G on the coding strand, the complement: AXIN2 is on the minus strand). VCF-style: chr17-65558521-G-C. GRCh37 (hg19) VCF-style: chr17-63554639-G-C.
Other names: c.100C>G, p.Pro34Ala (NM_001363813.1); c.100C>G (LRG_296t1); short protein forms P34A.
Identifiers: ClinVar variation 663580 (VCV000663580.10), dbSNP rs574154714, ClinGen allele CA8719105.
Genomic context (GRCh38, chr17:65,558,521, plus strand): 5'-TGGAAGAGACAGGCATGGGTTTGGTGACCTGGCCCTTGCCCACCCCTGGCTGACACGGTG[G>C]GGTCTCCCCTTCTTCCCCTGGCACTGGGGGCCGCGGGGCATCCTCACGGAAGCTGCTGCT-3'
Protein context (NP_004646.3, residues 24-44): PPVPGEEGET[Pro34Ala]PCQPGVGKGQ

ClinVar aggregate classification (germline): Uncertain significance. Review status: criteria provided, multiple submitters, no conflicts (2 of 4 stars). 3 submissions from 3 submitters: Uncertain significance (3). Last evaluated 2023-11-01.

Conditions:
Oligodontia-cancer predisposition syndrome. Also called: TOOTH AGENESIS-COLORECTAL CANCER SYNDROME. Identifiers: Orphanet 300576, MedGen C1837750, MONDO:0012075, OMIM 608615. Disease mechanism: loss of function.
Colorectal cancer. Also called: Malignant Colorectal Neoplasm; Colorectal cancer, somatic. Identifiers: MedGen C0346629, MONDO:0005575, OMIM 114500.
Hereditary cancer-predisposing syndrome. Also called: Neoplastic Syndromes, Hereditary; Tumor predisposition; Hereditary neoplastic syndrome; Hereditary Cancer Syndrome. Identifiers: Orphanet 140162, MedGen C0027672, MeSH D009386, MONDO:0015356.

Submissions (3):

Ambry Genetics
Classification: Uncertain significance for Hereditary cancer-predisposing syndrome. Last evaluated: 2023-11-01. Review status: criteria provided, single submitter. Criteria: Ambry Variant Classification Scheme 2023. Collection method: clinical testing. Allele origin: germline.
Comment: The p.P34A variant (also known as c.100C>G), located in coding exon 1 of the AXIN2 gene, results from a C to G substitution at nucleotide position 100. The proline at codon 34 is replaced by alanine, an amino acid with highly similar properties. This amino acid position is conserved. In addition, this alteration is predicted to be tolerated by in silico analysis. Since supporting evidence is limited at this time, the clinical significance of this alteration remains unclear.

Baylor Genetics
Classification: Uncertain significance for Colorectal cancer. Last evaluated: 2023-07-08. Review status: criteria provided, single submitter. Criteria: ACMG Guidelines, 2015. Collection method: clinical testing. Allele origin: unknown.

Labcorp Genetics (formerly Invitae), Labcorp
Classification: Uncertain significance for Oligodontia-cancer predisposition syndrome. Last evaluated: 2022-01-03. Review status: criteria provided, single submitter. Criteria: Invitae Variant Classification Sherloc (09022015). Collection method: clinical testing. Allele origin: germline.
Comment: ClinVar contains an entry for this variant (Variation ID: 663580). In summary, the available evidence is currently insufficient to determine the role of this variant in disease. Therefore, it has been classified as a Variant of Uncertain Significance. Algorithms developed to predict the effect of missense changes on protein structure and function are either unavailable or do not agree on the potential impact of this missense change (SIFT: "Deleterious"; PolyPhen-2: "Possibly Damaging"; Align-GVGD: "Class C0"). This variant has not been reported in the literature in individuals affected with AXIN2-related conditions. This variant is present in population databases (rs574154714, gnomAD 0.0009%). This sequence change replaces proline, which is neutral and non-polar, with alanine, which is neutral and non-polar, at codon 34 of the AXIN2 protein (p.Pro34Ala).